The following is an entry in ClinVar:

ClinVar aggregate classification (germline): Pathogenic/Likely pathogenic. Review status: criteria provided, multiple submitters, no conflicts (2 of 4 stars). 4 submissions from 4 submitters: Pathogenic (2); Likely pathogenic (1). 1 of the submissions does not count toward it. Last evaluated 2024-01-26.

Conditions:
SKIN/HAIR/EYE PIGMENTATION 1, BLUE/NONBLUE EYES (SHEP1). Also called: SKIN/HAIR/EYE PIGMENTATION 1, BLOND/BROWN HAIR; SKIN/HAIR/EYE PIGMENTATION 1, BLUE/BROWN EYES; EYE COLOR 3; EYE COLOR, BLUE/NONBLUE; EYE COLOR, BROWN/BLUE; HAIR COLOR 3. Identifiers: MedGen C1856895, OMIM 227220.
OCA2-related disorder. Also called: OCA2-related condition.

Allele frequency attached by ClinVar (database versions not stated): ExAC 0.00001.
gnomAD v4.1: 7 of 1,613,792 alleles (0.00043%); highest among the groups gnomAD compares: South Asian, 0.0033%; no homozygotes.

Submissions (4):

Baylor Genetics
Classification: Pathogenic for SKIN/HAIR/EYE PIGMENTATION 1, BLUE/NONBLUE EYES. Last evaluated: 2024-01-26. Review status: criteria provided, single submitter. Criteria: ACMG Guidelines, 2015. Collection method: clinical testing. Allele origin: unknown.

Labcorp Genetics (formerly Invitae), Labcorp
Classification: Pathogenic. Last evaluated: 2023-12-22. Review status: criteria provided, single submitter. Criteria: Invitae Variant Classification Sherloc (09022015). Collection method: clinical testing. Allele origin: germline.
Comment: This sequence change replaces glycine, which is neutral and non-polar, with serine, which is neutral and polar, at codon 775 of the OCA2 protein (p.Gly775Ser). This variant is present in population databases (rs774822330, gnomAD 0.006%). This missense change has been observed in individuals with oculocutaneous albinism (PMID: 21541274, 27734839, 29437493). ClinVar contains an entry for this variant (Variation ID: 2137625). Advanced modeling of protein sequence and biophysical properties (such as structural, functional, and spatial information, amino acid conservation, physicochemical variation, residue mobility, and thermodynamic stability) performed at Invitae indicates that this missense variant is expected to disrupt OCA2 protein function with a positive predictive value of 80%. This variant disrupts the p.Gly775 amino acid residue in OCA2. Other variant(s) that disrupt this residue have been determined to be pathogenic (PMID: 20019752). This suggests that this residue is clinically significant, and that variants that disrupt this residue are likely to be disease-causing. For these reasons, this variant has been classified as Pathogenic.

Blueprint Genetics
Classification: Likely pathogenic for OCA2-related disorders. Last evaluated: 2023-10-25. Review status: criteria provided, single submitter. Criteria: ACMG Guidelines, 2015. Collection method: clinical testing. Allele origin: germline. Affected: yes. Observed: 2 variant alleles.

PreventionGenetics, part of Exact Sciences
Classification: Likely pathogenic for OCA2-related condition. Last evaluated: 2024-04-23. Review status: no assertion criteria provided. Collection method: clinical testing. Allele origin: germline. Not counted in ClinVar's aggregate classification.
Comment: The OCA2 c.2323G>A variant is predicted to result in the amino acid substitution p.Gly775Ser. This variant has been reported in individuals with oculocutaneous albinism (Preising et al. 2011. PubMed ID: 21541274; Mauri et al 2016. PubMed ID: 27734839; Table S1, Wei et al. 2021. PubMed ID: 34838614). Alternate substitutions of this amino acid (p.Gly775Asp and p.Gly775Arg) have also been reported in individuals with oculocutaneous albinism (Johanson et al. 2010. PubMed ID: 20019752; Wei et al. 2021. PubMed ID: 34838614). This variant is reported in 0.0055% of alleles in individuals of East Asian descent in gnomAD. Given the evidence, we interpret this variant as likely pathogenic.

Literature cited by the submitters: PubMed 21541274 (cited by Labcorp Genetics (formerly Invitae), Labcorp); PubMed 27734839 (cited by Labcorp Genetics (formerly Invitae), Labcorp); PubMed 29437493 (cited by Labcorp Genetics (formerly Invitae), Labcorp); PubMed 20019752 (cited by Labcorp Genetics (formerly Invitae), Labcorp).

NM_000275.3(OCA2):c.2323G>A (p.Gly775Ser)

Gene: OCA2 (OCA2 melanosomal transmembrane protein; minus strand). Cytogenetic location: 15q13.1.
Variant type: single nucleotide variant.
Coding change: c.2323G>A on transcript NM_000275.3 (MANE Select); coding-DNA position 2323, G replaced by A.
Protein change: p.Gly775Ser; replaces glycine 775 with serine.
Molecular consequence: missense variant.
Genome position (GRCh38, 1-based): chr15:27,851,397, C>T on the plus strand (G>A on the coding strand, the complement: OCA2 is on the minus strand). VCF-style: chr15-27851397-C-T. GRCh37 (hg19) VCF-style: chr15-28096543-C-T.
Other names: c.2251G>A, p.Gly751Ser (NM_001300984.2); c.2323G>A (NM_000275.2); short protein forms G751S, G775S.
Identifiers: ClinVar variation 2137625 (VCV002137625.8), dbSNP rs774822330, ClinGen allele CA7438636.